The following is an entry in ClinVar:

ClinVar aggregate classification (germline): Uncertain significance (1 of 4 stars; one submission).

Submission:

Labcorp Genetics (formerly Invitae), Labcorp
Classification: Uncertain significance. Last evaluated: 2022-12-05. Review status: criteria provided, single submitter. Criteria: Invitae Variant Classification Sherloc (09022015). Collection method: clinical testing. Allele origin: germline.
Comment: In summary, the available evidence is currently insufficient to determine the role of this variant in disease. Therefore, it has been classified as a Variant of Uncertain Significance. This variant, c.2227_2229del, results in the deletion of 1 amino acid(s) of the PACS2 protein (p.Ser743del), but otherwise preserves the integrity of the reading frame. This variant is not present in population databases (gnomAD no frequency). This variant has not been reported in the literature in individuals affected with PACS2-related conditions. Algorithms developed to predict the effect of sequence changes on RNA splicing suggest that this variant may create or strengthen a splice site.

NM_001100913.3(PACS2):c.2227_2229del (p.Ser743del)

Gene: PACS2 (phosphofurin acidic cluster sorting protein 2; plus strand). Cytogenetic location: 14q32.33.
Variant type: Deletion.
Coding change: c.2227_2229del on transcript NM_001100913.3 (MANE Select); coding-DNA positions 2227 to 2229, 3 bases deleted (TCG; older notation c.2227_2229delTCG).
Protein change: p.Ser743del; deletes serine 743.
Molecular consequence: inframe deletion.
Genome position (GRCh38, 1-based): chr14:105,391,738-105,391,740, TCG deleted; deleting any 3 consecutive bases within chr14:105,391,736-105,391,740 gives the same sequence; the c. name uses the placement nearest the transcript's 3' end. VCF-style (leftmost placement, unchanged base first): chr14-105391735-CCGT-C. GRCh37 (hg19) VCF-style: chr14-105858072-CCGT-C.
Other names: c.1957_1959del, p.Ser653del (NM_001243127.3); c.2182_2184del, p.Ser728del (NM_015197.4); short protein forms S743del, S653del, S728del.
Identifiers: ClinVar variation 2818815 (VCV002818815.3), dbSNP rs2544889965, ClinGen allele CA2575644970.
Genomic context (GRCh38, chr14:105,391,735, plus strand): 5'-TCCACCCCGCCGTCCGCATCTCCTGCGGCCAAGGAGGCCTCACCCACCCCGCCCTCCTCC[CCGT>C]CGGTGAGCGGAGGCCTGTCCTCCCCCAGGTAAAGGTGCCTCACGGCTCAGCACGTTTCAC-3'